The following is an entry in ClinVar:

NM_001012759.3(CTU2):c.1269G>A (p.Leu423=)

Gene: CTU2 (cytosolic thiouridylase subunit 2; plus strand). Cytogenetic location: 16q24.3.
Variant type: single nucleotide variant.
Coding change: c.1269G>A on transcript NM_001012759.3 (MANE Select); coding-DNA position 1269, G replaced by A.
Protein change: p.Leu423=; no amino-acid change (leucine 423 retained).
Molecular consequence: synonymous variant.
Genome position (GRCh38, 1-based): chr16:88,714,654, G>A. VCF-style: chr16-88714654-G-A. GRCh37 (hg19) VCF-style: chr16-88781062-G-A.
Other names: c.1269G>A, p.Leu423= (NM_001012762.3); c.1482G>A, p.Leu494= (NM_001318507.2); c.1008G>A, p.Leu336= (NM_001318513.2).
Identifiers: ClinVar variation 721859 (VCV000721859.16), dbSNP rs28672793, ClinGen allele CA8230984.

ClinVar aggregate classification (germline): Benign. Review status: criteria provided, multiple submitters, no conflicts (2 of 4 stars). 2 submissions from 2 submitters: Benign (2). Last evaluated 2026-03-01.

Allele frequency attached by ClinVar (database versions not stated): gnomAD exomes 0.00097 and 0.00214; ExAC 0.00212; gnomAD 0.00505 and 0.00540; TOPMed 0.00583; ESP Exome Variant Server 0.00440; 1000 Genomes Project 0.00459; 1000 Genomes Project 30x 0.00468.
gnomAD v4.1: 2,305 of 1,612,536 alleles (0.14%); highest among the groups gnomAD compares: African/African-American, 1.5%; 22 homozygotes.

Submissions (2):

CeGaT Center for Human Genetics Tuebingen
Classification: Benign. Last evaluated: 2026-03-01. Review status: criteria provided, single submitter. Criteria: CeGaT Center For Human Genetics Tuebingen Variant Classification Criteria Version 2. Collection method: clinical testing. Allele origin: germline. Affected: yes. Observed: 3 variant alleles.
Comment: CTU2: BP4, BP7, BS1, BS2

Labcorp Genetics (formerly Invitae), Labcorp
Classification: Benign. Last evaluated: 2025-12-18. Review status: criteria provided, single submitter. Criteria: Invitae Variant Classification Sherloc (09022015). Collection method: clinical testing. Allele origin: germline.